The following is an entry in ClinVar:

ClinVar aggregate classification (germline): Uncertain significance (1 of 4 stars; one submission).

Conditions:
Hereditary cancer-predisposing syndrome. Also called: Tumor predisposition; Hereditary Cancer Syndrome; Hereditary neoplastic syndrome; Neoplastic Syndromes, Hereditary. Identifiers: Orphanet 140162, MedGen C0027672, MeSH D009386, MONDO:0015356.

Submission:

Ambry Genetics
Classification: Uncertain significance for Hereditary cancer-predisposing syndrome. Last evaluated: 2023-06-17. Review status: criteria provided, single submitter. Criteria: Ambry Variant Classification Scheme 2023. Collection method: clinical testing. Allele origin: germline.
Comment: The p.Q1274E variant (also known as c.3820C>G), located in coding exon 18 of the MET gene, results from a C to G substitution at nucleotide position 3820. The glutamine at codon 1274 is replaced by glutamic acid, an amino acid with highly similar properties. This amino acid position is conserved. In addition, the in silico prediction for this alteration is inconclusive. Since supporting evidence is limited at this time, the clinical significance of this alteration remains unclear.

NM_000245.4(MET):c.3766C>G (p.Gln1256Glu)

Gene: MET (MET proto-oncogene, receptor tyrosine kinase; plus strand). Cytogenetic location: 7q31.2.
Variant type: single nucleotide variant.
Coding change: c.3766C>G on transcript NM_000245.4 (MANE Select); coding-DNA position 3766, C replaced by G.
Protein change: p.Gln1256Glu; replaces glutamine 1256 with glutamic acid.
Molecular consequence: missense variant.
Genome position (GRCh38, 1-based): chr7:116,783,437, C>G. VCF-style: chr7-116783437-C-G. GRCh37 (hg19) VCF-style: chr7-116423491-C-G.
Other names: c.3820C>G, p.Gln1274Glu (NM_001127500.3); c.2476C>G, p.Gln826Glu (NM_001324402.2); short protein forms Q1256E, Q1274E, Q826E.
Identifiers: ClinVar variation 2587463 (VCV002587463.2), dbSNP rs1420240934, ClinGen allele CA368991959.